The following is an entry in ClinVar:

ClinVar aggregate classification (germline): Pathogenic (1 of 4 stars; one submission).

Conditions:
Charlevoix-Saguenay spastic ataxia (SACS). Also called: AUTOSOMAL RECESSIVE SPASTIC ATAXIA OF CHARLEVOIX-SAGUENAY; Spastic ataxia of Charlevoix-Saguenay; SPASTIC ATAXIA 6, AUTOSOMAL RECESSIVE. Identifiers: Orphanet 98, MedGen C1849140, MONDO:0010041, OMIM 270550.

Submission:

Myriad Genetics, Inc.
Classification: Pathogenic for Charlevoix-Saguenay spastic ataxia. Last evaluated: 2025-08-27. Review status: criteria provided, single submitter. Criteria: Myriad Autosomal Dominant, Autosomal Recessive and X-Linked Classification Criteria (2023). Collection method: clinical testing. Allele origin: unknown.
Comment: NM_014363.4(SACS):c.1513_1516dupTATG(A506Vfs*19) is expected to be pathogenic in the context of autosomal recessive spastic ataxia of Charlevoix-Saguenay. This variant is predicted to lead to an abnormal or absent protein product due to the creation of a premature termination codon in SACS, a gene where loss-of-function variants are known to be pathogenic. Please note: this variant was assessed in the context of healthy population screening.

NM_014363.6(SACS):c.1513_1516dup (p.Ala506fs)

Gene: SACS (sacsin molecular chaperone; minus strand). Cytogenetic location: 13q12.12.
Variant type: Duplication.
Coding change: c.1513_1516dup on transcript NM_014363.6 (MANE Select); coding-DNA positions 1513 to 1516, 4 bases duplicated (TATG; older notation c.1513_1516dupTATG).
Protein change: p.Ala506fs; shifts the reading frame from alanine 506.
Molecular consequence: frameshift variant.
Genome position (GRCh38, 1-based): chr13:23,355,096-23,355,099, CATA duplicated on the plus strand (TATG on the coding strand, the reverse complement: SACS is on the minus strand). VCF-style (leftmost placement, unchanged base first): chr13-23355095-G-GCATA. GRCh37 (hg19) VCF-style: chr13-23929234-G-GCATA.
Other names: c.1072_1075dup, p.Ala359fs (NM_001278055.2); c.1513_1516dup, p.Ala506fs (NM_001437336.1); short protein forms A359fs, A506fs.
Identifiers: ClinVar variation 5014921 (VCV005014921.1).